The following is an entry in ClinVar:

NM_006734.4(HIVEP2):c.518C>G (p.Ala173Gly)

Gene: HIVEP2 (HIVEP zinc finger 2; minus strand). Cytogenetic location: 6q24.2.
Variant type: single nucleotide variant.
Coding change: c.518C>G on transcript NM_006734.4 (MANE Select); coding-DNA position 518, C replaced by G.
Protein change: p.Ala173Gly; replaces alanine 173 with glycine.
Molecular consequence: missense variant.
Genome position (GRCh38, 1-based): chr6:142,774,221, G>C on the plus strand (C>G on the coding strand, the complement: HIVEP2 is on the minus strand). VCF-style: chr6-142774221-G-C. GRCh37 (hg19) VCF-style: chr6-143095358-G-C.
Other names: short protein forms A173G.
Identifiers: ClinVar variation 2799897 (VCV002799897.3), dbSNP rs770430006, ClinGen allele CA365915889.

ClinVar aggregate classification (germline): Uncertain significance (1 of 4 stars; one submission).

Submission:

Labcorp Genetics (formerly Invitae), Labcorp
Classification: Uncertain significance. Last evaluated: 2023-10-18. Review status: criteria provided, single submitter. Criteria: Invitae Variant Classification Sherloc (09022015). Collection method: clinical testing. Allele origin: germline.
Comment: This sequence change replaces alanine, which is neutral and non-polar, with glycine, which is neutral and non-polar, at codon 173 of the HIVEP2 protein (p.Ala173Gly). This variant is not present in population databases (gnomAD no frequency). This variant has not been reported in the literature in individuals affected with HIVEP2-related conditions. Advanced modeling of protein sequence and biophysical properties (such as structural, functional, and spatial information, amino acid conservation, physicochemical variation, residue mobility, and thermodynamic stability) performed at Invitae indicates that this missense variant is not expected to disrupt HIVEP2 protein function. In summary, the available evidence is currently insufficient to determine the role of this variant in disease. Therefore, it has been classified as a Variant of Uncertain Significance.